The following is an entry in ClinVar:

NM_033409.4(SLC52A3):c.240C>T (p.Gly80=)

Gene: SLC52A3 (solute carrier family 52 member 3; minus strand). Cytogenetic location: 20p13.
Variant type: single nucleotide variant.
Coding change: c.240C>T on transcript NM_033409.4 (MANE Select); coding-DNA position 240, C replaced by T.
Protein change: p.Gly80=; no amino-acid change (glycine 80 retained).
Molecular consequence: synonymous variant.
Genome position (GRCh38, 1-based): chr20:765,535, G>A on the plus strand (C>T on the coding strand, the complement: SLC52A3 is on the minus strand). VCF-style: chr20-765535-G-A. GRCh37 (hg19) VCF-style: chr20-746179-G-A.
Other names: p.Gly80=; c.240C>T, p.Gly80= (NM_001370085.1, NM_001370086.1).
Identifiers: ClinVar variation 262232 (VCV000262232.27), dbSNP rs34376836, ClinGen allele CA9724815.
Genomic context (GRCh38, chr20:765,535, plus strand): 5'-CAGCACCCAGGAGGTCATATTCCAGAGGAAGGCAAAGATGATGCAGGTGACGGTTCCCAC[G>A]CCCAGCAGGGTGAAGATGATGGGCACTTCGGAAAGGCAGCTGGGCCGGAAGTGATGGAGC-3'
Protein context (NP_212134.3, residues 70-90): SEVPIIFTLL[Gly80=]VGTVTCIIFA

ClinVar aggregate classification (germline): Benign. Review status: criteria provided, multiple submitters, no conflicts (2 of 4 stars). 8 submissions from 8 submitters: Benign (8). Last evaluated 2026-02-02.

Conditions:
Brown-Vialetto-van Laere syndrome 1. Also called: BULBAR PALSY, PROGRESSIVE, WITH SENSORINEURAL DEAFNESS; PONTOBULBAR PALSY WITH DEAFNESS; BROWN-VIALETTO-VAN LAERE SYNDROME 1, MILD. Identifiers: Orphanet 572550, Orphanet 97229, MedGen C0796274, MONDO:0024537, OMIM 211530.
Progressive bulbar palsy of childhood. Also called: FAZIO-LONDE DISEASE; Childhood Progressive Bulbar Palsy. Identifiers: MedGen C0393540, MONDO:0100428, OMIM 211500.

Allele frequency attached by ClinVar (database versions not stated): gnomAD 0.01191 and 0.01265; 1000 Genomes Project 30x 0.01359; gnomAD exomes 0.00307 and 0.00112; ExAC 0.00623; TOPMed 0.01336; 1000 Genomes Project 0.01338; ESP Exome Variant Server 0.01387.
gnomAD v4.1: 3,483 of 1,575,600 alleles (0.22%); highest among the groups gnomAD compares: African/African-American, 4.2%; 78 homozygotes.

Submissions (10):

Labcorp Genetics (formerly Invitae), Labcorp
Classification: Benign for Brown-Vialetto-van Laere syndrome 1. Last evaluated: 2026-02-02. Review status: criteria provided, single submitter. Criteria: Invitae Variant Classification Sherloc (09022015). Collection method: clinical testing. Allele origin: germline.

Mayo Clinic Laboratories, Mayo Clinic
Classification: Benign. Last evaluated: 2024-02-27. Review status: criteria provided, single submitter. Criteria: ACMG Guidelines, 2015. Collection method: clinical testing. Allele origin: germline. Observed: 6 variant alleles.
Comment: BA1, BS2, BP4, BP7

ARUP Laboratories, Molecular Genetics and Genomics, ARUP Laboratories
Classification: Benign. Last evaluated: 2023-11-29. Review status: criteria provided, single submitter. Criteria: ARUP Molecular Germline Variant Investigation Process 2024. Collection method: clinical testing. Allele origin: germline.

Fulgent Genetics
Classification: Benign for Progressive bulbar palsy of childhood; Brown-Vialetto-van Laere syndrome 1. Last evaluated: 2021-07-12. Review status: criteria provided, single submitter. Criteria: ACMG Guidelines, 2015. Collection method: clinical testing. Allele origin: unknown.

GeneDx
Classification: Benign. Last evaluated: 2019-10-09. Review status: criteria provided, single submitter. Criteria: GeneDx Variant Classification Process June 2021. Collection method: clinical testing. Allele origin: germline. Affected: yes.

Laboratory for Molecular Medicine, Mass General Brigham Personalized Medicine
Classification: Benign. Last evaluated: 2017-08-23. Review status: criteria provided, single submitter. Criteria: LMM Criteria. Collection method: clinical testing. Allele origin: germline. Observed: 1 variant allele.
Comment: p.Gly80Gly in exon 2 of SLC52A3: This variant is not expected to have clinical s ignificance because it does not alter an amino acid residue, is not located with in the splice consensus sequence, and has been identified in 5.50% (247/4494) of African chromosomes by the Exome Aggregation Consortium (ExAC; dbSNP rs34376836).

Breakthrough Genomics
Classification: Benign. Review status: criteria provided, single submitter. Criteria: ACMG Guidelines, 2015. Collection method: not provided. Allele origin: germline. Inheritance: Autosomal recessive inheritance. Affected: yes.

PreventionGenetics, part of Exact Sciences
Classification: Benign. Review status: criteria provided, single submitter. Criteria: ACMG Guidelines, 2015. Collection method: clinical testing. Allele origin: germline.

Dr. Peter K. Rogan Lab, Western University
No classification provided (evidence only). Condition: Uterine corpus endometrial carcinoma. Review status: no classification provided. Collection method: in vitro. Allele origin: not applicable. Functional consequence: retained intron. Not counted in ClinVar's aggregate classification.

Dr. Peter K. Rogan Lab, Western University
No classification provided (evidence only). Condition: Cervical cancer. Review status: no classification provided. Collection method: in vitro. Allele origin: not applicable. Functional consequence: retained intron. Not counted in ClinVar's aggregate classification.